The following is an entry in ClinVar:

NM_000059.4(BRCA2):c.9404T>C (p.Leu3135Pro)

Gene: BRCA2 (BRCA2 DNA repair associated; plus strand). Cytogenetic location: 13q13.1.
Variant type: single nucleotide variant.
Coding change: c.9404T>C on transcript NM_000059.4 (MANE Select); coding-DNA position 9404, T replaced by C.
Protein change: p.Leu3135Pro; replaces leucine 3135 with proline.
Molecular consequence: missense variant. On other transcripts: non-coding transcript variant (1).
Genome position (GRCh38, 1-based): chr13:32,394,836, T>C. VCF-style: chr13-32394836-T-C. GRCh37 (hg19) VCF-style: chr13-32968973-T-C.
Other names: c.9308T>C, p.Leu3103Pro (NM_001406719.1); c.9353T>C, p.Leu3118Pro (NM_001406720.1); c.4472T>C, p.Leu1491Pro (NM_001406721.1); c.2987T>C, p.Leu996Pro (NM_001406722.1); short protein forms L1491P, L3103P, L3118P, L3135P, L996P.
Identifiers: ClinVar variation 3230115 (VCV003230115.3), dbSNP rs2073023723, ClinGen allele CA387761382.

ClinVar aggregate classification (germline): Conflicting classifications of pathogenicity. Review status: criteria provided, conflicting classifications (1 of 4 stars). 2 submissions from 2 submitters: Uncertain significance (1); Likely benign (1). Last evaluated 2025-05-16.

Conditions:
Hereditary cancer-predisposing syndrome. Also called: Neoplastic Syndromes, Hereditary; Tumor predisposition; Hereditary neoplastic syndrome; Hereditary Cancer Syndrome. Identifiers: Orphanet 140162, MedGen C0027672, MeSH D009386, MONDO:0015356.

Submissions (2):

Ambry Genetics
Classification: Likely benign for Hereditary cancer-predisposing syndrome. Last evaluated: 2025-05-16. Review status: criteria provided, single submitter. Criteria: Ambry Variant Classification Scheme 2023. Collection method: clinical testing. Allele origin: germline.

GeneDx
Classification: Uncertain significance. Last evaluated: 2024-10-11. Review status: criteria provided, single submitter. Criteria: GeneDx Variant Classification Process June 2021. Collection method: clinical testing. Allele origin: germline. Affected: yes.
Comment: Not observed at significant frequency in large population cohorts (gnomAD); In silico analysis indicates that this missense variant does not alter protein structure/function; Has not been previously published as pathogenic or benign to our knowledge; Also known as 9632T>C; This variant is associated with the following publications: (PMID: 12228710)